The following is an entry in ClinVar:

NM_015057.5(MYCBP2):c.8333A>C (p.Lys2778Thr)

Gene: MYCBP2 (MYC binding protein 2; minus strand). Cytogenetic location: 13q22.3.
Variant type: single nucleotide variant.
Coding change: c.8333A>C on transcript NM_015057.5 (MANE Select); coding-DNA position 8333, A replaced by C.
Protein change: p.Lys2778Thr; replaces lysine 2778 with threonine.
Molecular consequence: missense variant.
Genome position (GRCh38, 1-based): chr13:77,098,821, T>G on the plus strand (A>C on the coding strand, the complement: MYCBP2 is on the minus strand). VCF-style: chr13-77098821-T-G. GRCh37 (hg19) VCF-style: chr13-77672956-T-G.
Other names: short protein forms K2778T.
Identifiers: ClinVar variation 3363679 (VCV003363679.1).
Genomic context (GRCh38, chr13:77,098,821, plus strand): 5'-AATGTCTGCAAGGTGTTATGGTTGGGGGATAATGACCTACTGTGGGAATCTGACCTCAAC[T>G]TTGCAGCATCAGATTTTAAGATGAGGGATTCACTAGCAGATAAACTTTCTGTGCCCCTTG-3'
Protein context (NP_055872.4, residues 2768-2788): ESLILKSDAA[Lys2778Thr]LRSDSHSRSL

ClinVar aggregate classification (germline): Uncertain significance (1 of 4 stars; one submission).

Submission:

GeneDx
Classification: Uncertain significance. Last evaluated: 2023-11-08. Review status: criteria provided, single submitter. Criteria: GeneDx Variant Classification Process June 2021. Collection method: clinical testing. Allele origin: germline. Affected: yes.
Comment: Not observed at significant frequency in large population cohorts (gnomAD); In silico analysis supports that this missense variant has a deleterious effect on protein structure/function; Has not been previously published as pathogenic or benign to our knowledge